The following is an entry in ClinVar:

ClinVar aggregate classification (germline): Likely benign. Review status: criteria provided, multiple submitters, no conflicts (2 of 4 stars). 3 submissions from 3 submitters: Likely benign (3). Last evaluated 2025-12-01.

Conditions:
Dilated cardiomyopathy 1JJ (CMD1JJ). Identifiers: Orphanet 154, MedGen C3808935, MONDO:0014095, OMIM 615235.

Allele frequency attached by ClinVar (database versions not stated): TOPMed 0.00002; gnomAD 0.00004; ExAC 0.00008; gnomAD exomes 0.00008.
gnomAD v4.1: 116 of 1,520,388 alleles (0.0076%); highest among the groups gnomAD compares: South Asian, 0.053%; no homozygotes.

Submissions (3):

Labcorp Genetics (formerly Invitae), Labcorp
Classification: Likely benign for Dilated cardiomyopathy 1JJ. Last evaluated: 2025-12-01. Review status: criteria provided, single submitter. Criteria: Invitae Variant Classification Sherloc (09022015). Collection method: clinical testing. Allele origin: germline.

GeneDx
Classification: Likely benign. Last evaluated: 2015-11-03. Review status: criteria provided, single submitter. Criteria: GeneDx Variant Classification (06012015). Collection method: clinical testing. Allele origin: germline. Affected: yes.
Comment: This variant is considered likely benign or benign based on one or more of the following criteria: it is a conservative change, it occurs at a poorly conserved position in the protein, it is predicted to be benign by multiple in silico algorithms, and/or has population frequency not consistent with disease.

Laboratory for Molecular Medicine, Mass General Brigham Personalized Medicine
Classification: Likely benign. Last evaluated: 2012-09-10. Review status: criteria provided, single submitter. Criteria: LMM Criteria. Collection method: clinical testing. Allele origin: germline. Observed: 2 variant alleles.
Comment: 2035+12C>T in intron 16 of LAMA4: This variant is not expected to have clinical significance because it is not located within the splice consensus sequence. 20 35+12C>T in intron 16 of LAMA4 (allele frequency = n/a)

NM_001105206.3(LAMA4):c.2056+12C>T

Gene: LAMA4 (laminin subunit alpha 4; minus strand). Cytogenetic location: 6q21.
Variant type: single nucleotide variant.
Coding change: c.2056+12C>T on transcript NM_001105206.3 (MANE Select); 12 bases into the intron after coding-DNA position 2056, C replaced by T.
Molecular consequence: intron variant.
Genome position (GRCh38, 1-based): chr6:112,154,839, G>A on the plus strand (C>T on the coding strand, the complement: LAMA4 is on the minus strand). VCF-style: chr6-112154839-G-A. GRCh37 (hg19) VCF-style: chr6-112476041-G-A.
Other names: c.2035+12C>T (NM_002290.5, NM_001105207.3).
Identifiers: ClinVar variation 44359 (VCV000044359.10), dbSNP rs397516722, ClinGen allele CA134018.